The following is an entry in ClinVar:

NM_000352.6(ABCC8):c.2980G>T (p.Glu994Ter)

Gene: ABCC8 (ATP binding cassette subfamily C member 8; minus strand). Cytogenetic location: 11p15.1.
Variant type: single nucleotide variant.
Coding change: c.2980G>T on transcript NM_000352.6 (MANE Select); coding-DNA position 2980, G replaced by T.
Protein change: p.Glu994Ter; replaces glutamic acid 994 with a stop codon.
Molecular consequence: nonsense. On other transcripts: non-coding transcript variant (1).
Genome position (GRCh38, 1-based): chr11:17,407,070, C>A on the plus strand (G>T on the coding strand, the complement: ABCC8 is on the minus strand). VCF-style: chr11-17407070-C-A. GRCh37 (hg19) VCF-style: chr11-17428617-C-A.
Other names: NM_001287174.3:c.2983G>T; c.2983G>T, p.Glu995Ter (NM_001287174.3); c.3046G>T, p.Glu1016Ter (NM_001351295.2); c.2980G>T, p.Glu994Ter (NM_001351296.2); c.2977G>T, p.Glu993Ter (NM_001351297.2); short protein forms E1016*, E993*, E994*, E995*.
Identifiers: ClinVar variation 2576207 (VCV002576207.2), dbSNP rs766921341, ClinGen allele CA379804085.

ClinVar aggregate classification (germline): Pathogenic. Review status: criteria provided, multiple submitters, no conflicts (2 of 4 stars). 2 submissions from 2 submitters: Pathogenic (2). Last evaluated 2026-01-20.

Conditions:
Hyperinsulinemic hypoglycemia, familial, 1 (HHF1). Also called: Persistent hyperinsulinemic hypoglycemia of infancy; HYPERINSULINISM, FAMILIAL, WITH PANCREATIC NESIDIOBLASTOSIS; HYPOGLYCEMIA, HYPERINSULINEMIC, OF INFANCY; NESIDIOBLASTOSIS OF PANCREAS; Persistent Hyperinsulinemia Hypoglycemia of Infancy. Identifiers: Orphanet 276575, Orphanet 276598, MedGen C2931832, MONDO:0009734, OMIM 256450.

gnomAD v4.1: 2 of 1,614,034 alleles (0.00012%); highest among the groups gnomAD compares: Non-Finnish European, 0.00017%; no homozygotes.

Submissions (2):

Myriad Genetics, Inc.
Classification: Pathogenic for Hyperinsulinemic hypoglycemia, familial, 1. Last evaluated: 2026-01-20. Review status: criteria provided, single submitter. Criteria: Myriad Autosomal Dominant, Autosomal Recessive and X-Linked Classification Criteria (2023). Collection method: clinical testing. Allele origin: unknown.
Comment: NM_000352.3(ABCC8):c.2980G>T(E994*) is expected to be pathogenic in the context of familial hyperinsulinism, ABCC8-related. This variant is predicted to lead to an abnormal or absent protein product due to the creation of a premature termination codon in ABCC8, a gene where loss-of-function variants are known to be pathogenic. Please note: this variant was assessed in the context of healthy population screening.

Broad Center for Mendelian Genomics, Broad Institute of MIT and Harvard
Classification: Pathogenic for Hyperinsulinemic hypoglycemia, familial, 1. Last evaluated: 2023-08-16. Review status: criteria provided, single submitter. Criteria: ACMG Guidelines, 2015. Collection method: curation. Allele origin: germline. Inheritance: Autosomal recessive inheritance.
Comment: The p.Glu994Ter variant in ABCC8 has been reported in 1 individual, in the compound heterozygous state, with hyperinsulinemic hypoglycemia (PMID: 25201519) and has been identified in 0.0009% (1/110512) of European (non-Finnish) chromosomes by the Genome Aggregation Database (gnomAD; dbSNP ID: rs766921341). Although this variant has been seen in the general population in a heterozygous state, its frequency is low enough to be consistent with a recessive carrier frequency. This nonsense variant leads to a premature termination codon at position 994, which is predicted to lead to a truncated or absent protein. Loss of function of the ABCC8 gene is an established disease mechanism in autosomal recessive hyperinsulinemic hypoglycemia. In summary, this variant meets criteria to be classified as pathogenic for autosomal recessive hyperinsulinemic hypoglycemia. ACMG/AMP Criteria applied: PVS1, PM3, PM2_supporting (Richards 2015).